The following is an entry in ClinVar:

NM_016038.4(SBDS):c.113G>C (p.Gly38Ala)

Gene: SBDS (SBDS ribosome maturation factor; minus strand). Cytogenetic location: 7q11.21.
Variant type: single nucleotide variant.
Coding change: c.113G>C on transcript NM_016038.4 (MANE Select); coding-DNA position 113, G replaced by C.
Protein change: p.Gly38Ala; replaces glycine 38 with alanine.
Molecular consequence: missense variant.
Genome position (GRCh38, 1-based): chr7:66,995,305, C>G on the plus strand (G>C on the coding strand, the complement: SBDS is on the minus strand). VCF-style: chr7-66995305-C-G. GRCh37 (hg19) VCF-style: chr7-66460292-C-G.
Other names: short protein forms G38A.
Identifiers: ClinVar variation 3950315 (VCV003950315.1).

ClinVar aggregate classification (germline): Uncertain significance (1 of 4 stars; one submission).

Conditions:
Inborn genetic diseases. Identifiers: MedGen C0950123, MeSH D030342.

Submission:

Ambry Genetics
Classification: Uncertain significance for Inborn genetic diseases. Last evaluated: 2025-04-12. Review status: criteria provided, single submitter. Criteria: Ambry Variant Classification Scheme 2023. Collection method: clinical testing. Allele origin: germline.
Comment: The p.G38A variant (also known as c.113G>C), located in coding exon 1 of the SBDS gene, results from a G to C substitution at nucleotide position 113. The glycine at codon 38 is replaced by alanine, an amino acid with similar properties. This amino acid position is conserved. In addition, the in silico prediction for this alteration is inconclusive. Based on the available evidence, the clinical significance of this variant remains unclear.